The following is an entry in ClinVar:

ClinVar aggregate classification (germline): Conflicting classifications of pathogenicity. Review status: criteria provided, conflicting classifications (1 of 4 stars). 3 submissions from 3 submitters: Uncertain significance (2); Benign (1). Last evaluated 2025-08-06.

Conditions:
COL11A1-related disorder. Also called: COL11A1-related condition; COL11A1-related disorders.

Allele frequency attached by ClinVar (database versions not stated): gnomAD 0.00001; gnomAD exomes 0.00001 and 0.00002; TOPMed 0.00001.
gnomAD v4.1: 30 of 1,612,226 alleles (0.0019%); highest among the groups gnomAD compares: South Asian, 0.0033%; 1 homozygote.

Submissions (3):

Labcorp Genetics (formerly Invitae), Labcorp
Classification: Benign. Last evaluated: 2025-08-06. Review status: criteria provided, single submitter. Criteria: Invitae Variant Classification Sherloc (09022015). Collection method: clinical testing. Allele origin: germline.

PreventionGenetics, part of Exact Sciences
Classification: Uncertain significance for COL11A1-related condition. Last evaluated: 2025-06-12. Review status: criteria provided, single submitter. Criteria: ACMG Guidelines, 2015. Collection method: clinical testing. Allele origin: germline.
Comment: The COL11A1 c.1321G>A variant is predicted to result in the amino acid substitution p.Glu441Lys. To our knowledge, this variant has not been reported in the literature. This variant is reported in 0.0050% of alleles in individuals of East Asian descent in gnomAD. At this time, the clinical significance of this variant is uncertain due to the absence of conclusive functional and genetic evidence.

GeneDx
Classification: Uncertain significance. Last evaluated: 2019-10-01. Review status: criteria provided, single submitter. Criteria: GeneDx Variant Classification Process June 2021. Collection method: clinical testing. Allele origin: germline. Affected: yes.
Comment: Has not been previously published as pathogenic or benign to our knowledge; Not observed at a significant frequency in large population cohorts (Lek et al., 2016); In silico analysis, which includes protein predictors and evolutionary conservation, supports a deleterious effect; Not located in the triple helical region, where the majority of pathogenic missense variants occur (Stenson et al., 2014)

NM_001854.4(COL11A1):c.1321G>A (p.Glu441Lys)

Gene: COL11A1 (collagen type XI alpha 1 chain; minus strand). Cytogenetic location: 1p21.1.
Variant type: single nucleotide variant.
Coding change: c.1321G>A on transcript NM_001854.4 (MANE Select); coding-DNA position 1321, G replaced by A.
Protein change: p.Glu441Lys; replaces glutamic acid 441 with lysine.
Molecular consequence: missense variant. On other transcripts: non-coding transcript variant (1).
Genome position (GRCh38, 1-based): chr1:103,018,847, C>T on the plus strand (G>A on the coding strand, the complement: COL11A1 is on the minus strand). VCF-style: chr1-103018847-C-T. GRCh37 (hg19) VCF-style: chr1-103484403-C-T.
Other names: c.1204G>A, p.Glu402Lys (NM_001190709.2); c.1357G>A, p.Glu453Lys (NM_080629.3); c.973G>A, p.Glu325Lys (NM_080630.4); short protein forms E325K, E402K, E441K, E453K.
Identifiers: ClinVar variation 1308974 (VCV001308974.7), dbSNP rs995254814, ClinGen allele CA27743696.
Genomic context (GRCh38, chr1:103,018,847, plus strand): 5'-AGACAAAAATAATCTTAAAACATTTACATACTGCAGGTCCTGCTGGTCCTGGTGGTCCTT[C>T]GACAAGCATACCCTATAACAGGAAAAGAGAACATCTCTACCAGGGAAATATAACCCCCAA-3'
Protein context (NP_001845.3, residues 431-451): PAVVEPGMLV[Glu441Lys]GPPGPAGPAG